The following is an entry in ClinVar:

NM_001257096.2(PAX1):c.611G>C (p.Gly204Ala)

Gene: PAX1 (paired box 1; plus strand). Cytogenetic location: 20p11.22.
Variant type: single nucleotide variant.
Coding change: c.611G>C on transcript NM_001257096.2 (MANE Select); coding-DNA position 611, G replaced by C.
Protein change: p.Gly204Ala; replaces glycine 204 with alanine.
Molecular consequence: missense variant.
Genome position (GRCh38, 1-based): chr20:21,706,762, G>C. VCF-style: chr20-21706762-G-C. GRCh37 (hg19) VCF-style: chr20-21687400-G-C.
Other names: c.611G>C, p.Gly204Ala (NM_006192.5); short protein forms G204A.
Identifiers: ClinVar variation 2123022 (VCV002123022.4), dbSNP rs2514801589, ClinGen allele CA408498345.

ClinVar aggregate classification (germline): Uncertain significance (1 of 4 stars; one submission).

Submission:

Labcorp Genetics (formerly Invitae), Labcorp
Classification: Uncertain significance. Last evaluated: 2022-04-08. Review status: criteria provided, single submitter. Criteria: Invitae Variant Classification Sherloc (09022015). Collection method: clinical testing. Allele origin: germline.
Comment: This variant is not present in population databases (gnomAD no frequency). In summary, the available evidence is currently insufficient to determine the role of this variant in disease. Therefore, it has been classified as a Variant of Uncertain Significance. Algorithms developed to predict the effect of missense changes on protein structure and function are either unavailable or do not agree on the potential impact of this missense change (SIFT: "Deleterious"; PolyPhen-2: "Benign"; Align-GVGD: "Class C0"). This variant has not been reported in the literature in individuals affected with PAX1-related conditions. This sequence change replaces glycine, which is neutral and non-polar, with alanine, which is neutral and non-polar, at codon 204 of the PAX1 protein (p.Gly204Ala).